The following is an entry in ClinVar:

NM_001349798.2(FBXW7):c.833G>A (p.Arg278Gln)

Genes: FBXW7 (F-box and WD repeat domain containing 7; minus strand), FBXW7-AS1 (FBXW7 antisense RNA 1; plus strand). Cytogenetic location: 4q31.3.
Variant type: single nucleotide variant.
Coding change: c.833G>A on transcript NM_001349798.2 (MANE Select); coding-DNA position 833, G replaced by A.
Protein change: p.Arg278Gln; replaces arginine 278 with glutamine.
Molecular consequence: missense variant. On other transcripts: non-coding transcript variant (1).
Genome position (GRCh38, 1-based): chr4:152,337,830, C>T on the plus strand (G>A on the coding strand, the complement: FBXW7 is on the minus strand). VCF-style: chr4-152337830-C-T. GRCh37 (hg19) VCF-style: chr4-153258982-C-T.
Other names: c.479G>A, p.Arg160Gln (NM_001013415.2); c.593G>A, p.Arg198Gln (NM_018315.5); c.833G>A, p.Arg278Gln (NM_033632.3); short protein forms R160Q, R198Q, R278Q.
Identifiers: ClinVar variation 4530530 (VCV004530530.1).

ClinVar aggregate classification (somatic clinical impact): Tier II - Potential (1 of 4 stars; one submission).

Conditions:
Diffuse pediatric-type high-grade glioma, H3-wildtype and IDH-wildtype. Identifiers: MedGen C5669918, MONDO:0858939.

Submission:

Institute for Genomic Medicine (IGM) Clinical Laboratory, Nationwide Children's Hospital
Classification: Tier II - Potential for Diffuse pediatric-type high-grade glioma, H3-wildtype and IDH-wildtype. Assertion type: diagnostic. Clinical significance: supports diagnosis. Last evaluated: 2022-10-14. Review status: criteria provided, single submitter. Criteria: AMP/ASCO/CAP Guidelines, 2017. Collection method: clinical testing. Allele origin: somatic. Affected: yes.
Comment: Variant has Tier II (potential) clinical significance as a diagnostic inclusion criterion in diffuse pediatric-type high-grade glioma, H3-wildtype and IDH-wildtype, based on the following evidence: 1) Documented in one or more cancer databases (e.g., St. Jude Pecan, COSMIC, CIViC, OncoKB) (PMID: 31450901). 2) Diagnostic significance based on multiple small studies (Evidence Level C; PMID: 28966033).

Literature cited by the submitters: PubMed 31450901; PubMed 28966033.